The following is an entry in ClinVar:

NM_033026.6(PCLO):c.12377A>T (p.His4126Leu)

Gene: PCLO (piccolo presynaptic cytomatrix protein; minus strand). Cytogenetic location: 7q21.11.
Variant type: single nucleotide variant.
Coding change: c.12377A>T on transcript NM_033026.6 (MANE Select); coding-DNA position 12377, A replaced by T.
Protein change: p.His4126Leu; replaces histidine 4126 with leucine.
Molecular consequence: missense variant.
Genome position (GRCh38, 1-based): chr7:82,915,609, T>A on the plus strand (A>T on the coding strand, the complement: PCLO is on the minus strand). VCF-style: chr7-82915609-T-A. GRCh37 (hg19) VCF-style: chr7-82544925-T-A.
Other names: c.12377A>T, p.His4126Leu (NM_014510.3); short protein forms H4126L.
Identifiers: ClinVar variation 1974349 (VCV001974349.5), dbSNP rs778643722, ClinGen allele CA367888713.

ClinVar aggregate classification (germline): Uncertain significance (1 of 4 stars; one submission).

Allele frequency attached by ClinVar (database versions not stated): TOPMed below 0.00001; gnomAD 0.00001.
gnomAD v4.1: 8 of 1,613,444 alleles (0.0005%); highest among the groups gnomAD compares: Non-Finnish European, 0.00068%; no homozygotes.

Submission:

Labcorp Genetics (formerly Invitae), Labcorp
Classification: Uncertain significance. Last evaluated: 2025-01-06. Review status: criteria provided, single submitter. Criteria: Invitae Variant Classification Sherloc (09022015). Collection method: clinical testing. Allele origin: germline.
Comment: This sequence change replaces histidine, which is basic and polar, with leucine, which is neutral and non-polar, at codon 4126 of the PCLO protein (p.His4126Leu). This variant is not present in population databases (gnomAD no frequency). This variant has not been reported in the literature in individuals affected with PCLO-related conditions. ClinVar contains an entry for this variant (Variation ID: 1974349). Experimental studies and prediction algorithms are not available or were not evaluated, and the functional significance of this variant is currently unknown. In summary, the available evidence is currently insufficient to determine the role of this variant in disease. Therefore, it has been classified as a Variant of Uncertain Significance.